The following is an entry in ClinVar:

ClinVar aggregate classification (germline): Uncertain significance (1 of 4 stars; one submission).

Conditions:
Inborn genetic diseases. Identifiers: MedGen C0950123, MeSH D030342.

Allele frequency attached by ClinVar (database versions not stated): gnomAD 0.00001; gnomAD exomes 0.00001; ExAC 0.00003.
gnomAD v4.1: 21 of 1,613,344 alleles (0.0013%); highest among the groups gnomAD compares: South Asian, 0.023%; 1 homozygote.

Submission:

Ambry Genetics
Classification: Uncertain significance for Inborn genetic diseases. Last evaluated: 2022-02-15. Review status: criteria provided, single submitter. Criteria: Ambry Variant Classification Scheme 2023. Collection method: clinical testing. Allele origin: germline.
Comment: The c.675+3A>T intronic alteration consists of a A to T substitution nucleotides after coding exon 4 in the SLC4A4 gene. Based on insufficient or conflicting evidence, the clinical significance of this alteration remains unclear.

NM_001098484.3(SLC4A4):c.807+3A>T

Gene: SLC4A4 (solute carrier family 4 member 4; plus strand). Cytogenetic location: 4q13.3.
Variant type: single nucleotide variant.
Coding change: c.807+3A>T on transcript NM_001098484.3 (MANE Select); 3 bases into the intron after coding-DNA position 807, A replaced by T.
Molecular consequence: intron variant.
Genome position (GRCh38, 1-based): chr4:71,397,656, A>T. VCF-style: chr4-71397656-A-T. GRCh37 (hg19) VCF-style: chr4-72263373-A-T.
Other names: c.807+3A>T (NM_001134742.2); c.675+3A>T (NM_003759.4).
Identifiers: ClinVar variation 2270412 (VCV002270412.2), dbSNP rs778178633, ClinGen allele CA2954657.